The following is an entry in ClinVar:

ClinVar aggregate classification (germline): Uncertain significance. Review status: criteria provided, multiple submitters, no conflicts (2 of 4 stars). 4 submissions from 4 submitters: Uncertain significance (4). Last evaluated 2025-10-23.

Conditions:
Dilated cardiomyopathy 1G (CMD1G). Identifiers: Orphanet 154, MedGen C1858763, MONDO:0011400, OMIM 604145.
Autosomal recessive limb-girdle muscular dystrophy type 2J (LGMDR10). Also called: Limb-girdle muscular dystrophy, type 2J; MUSCULAR DYSTROPHY, LIMB-GIRDLE, AUTOSOMAL RECESSIVE 10. Identifiers: Orphanet 140922, MedGen C1837342, MONDO:0012127, OMIM 608807.

Allele frequency attached by ClinVar (database versions not stated): gnomAD 0.00003 and 0.00002; ESP Exome Variant Server 0.00017; ExAC 0.00007; gnomAD exomes 0.00007 and 0.00003; TOPMed 0.00003.
gnomAD v4.1: 53 of 1,610,952 alleles (0.0033%); highest among the groups gnomAD compares: South Asian, 0.02%; no homozygotes.

Submissions (4):

GeneDx
Classification: Uncertain significance. Last evaluated: 2025-10-23. Review status: criteria provided, single submitter. Criteria: GeneDx Variant Classification Process June 2021. Collection method: clinical testing. Allele origin: germline.
Comment: Has not been previously published as pathogenic or benign to our knowledge; In silico analysis supports a deleterious effect on splicing

Mayo Clinic Laboratories, Mayo Clinic
Classification: Uncertain significance. Last evaluated: 2025-04-14. Review status: criteria provided, single submitter. Criteria: ACMG Guidelines, 2015. Collection method: clinical testing. Allele origin: germline. Observed: 3 variant alleles.
Comment: PP3

Labcorp Genetics (formerly Invitae), Labcorp
Classification: Uncertain significance for Dilated cardiomyopathy 1G; Autosomal recessive limb-girdle muscular dystrophy type 2J. Last evaluated: 2017-08-11. Review status: criteria provided, single submitter. Criteria: Invitae Variant Classification Sherloc (09022015). Collection method: clinical testing. Allele origin: germline.

Eurofins Ntd Llc (ga)
Classification: Uncertain significance. Last evaluated: 2017-03-08. Review status: criteria provided, single submitter. Criteria: EGL Classification Definitions 2015. Collection method: clinical testing. Allele origin: germline. Observed: 2 variant alleles, 2 heterozygotes.

NM_001267550.2(TTN):c.35082C>T (p.Gly11694=)

Gene: TTN (titin; minus strand). Cytogenetic location: 2q31.2.
Variant type: single nucleotide variant.
Coding change: c.35082C>T on transcript NM_001267550.2 (MANE Select); coding-DNA position 35082, C replaced by T.
Protein change: p.Gly11694=; no amino-acid change (glycine 11694 retained).
Molecular consequence: synonymous variant. On other transcripts: intron variant (3).
Genome position (GRCh38, 1-based): chr2:178,672,116, G>A on the plus strand (C>T on the coding strand, the complement: TTN is on the minus strand). VCF-style: chr2-178672116-G-A. GRCh37 (hg19) VCF-style: chr2-179536843-G-A.
Other names: p.Gly11320=; p.Gly10393=; c.33960C>T, p.Gly11320= (NM_001256850.1); c.31179C>T, p.Gly10393= (NM_133378.4); c.13283-29799C>T (NM_003319.4); c.13859-29799C>T (NM_133437.4); c.13658-29799C>T (NM_133432.3); c.35082C>T (NM_001267550.1).
Identifiers: ClinVar variation 467048 (VCV000467048.11), dbSNP rs377761863, ClinGen allele CA1997909.
Genomic context (GRCh38, chr2:178,672,116, plus strand): 5'-GTGTTCTTCTTCAACTCTATGTTGTTCTAATTTGATGAATTCTTCTACTTCATGAAACTC[G>A]CCTTCTTCAAAATATTCTTCAACTTCATGGAACTCTTCTTCTTCCGGAATTTCTTCCACT-3'
Protein context (NP_001254479.2, residues 11684-11704): FHEVEEYFEE[Gly11694=]EFHEVEEFIK